The following is an entry in ClinVar:

NM_177438.3(DICER1):c.1101A>T (p.Ser367=)

Gene: DICER1 (dicer 1, ribonuclease III; minus strand). Cytogenetic location: 14q32.13.
Variant type: single nucleotide variant.
Coding change: c.1101A>T on transcript NM_177438.3 (MANE Select); coding-DNA position 1101, A replaced by T.
Protein change: p.Ser367=; no amino-acid change (serine 367 retained).
Molecular consequence: synonymous variant. On other transcripts: non-coding transcript variant (6), 5 prime UTR variant (1).
Genome position (GRCh38, 1-based): chr14:95,124,471, T>A on the plus strand (A>T on the coding strand, the complement: DICER1 is on the minus strand). VCF-style: chr14-95124471-T-A. GRCh37 (hg19) VCF-style: chr14-95590808-T-A.
Other names: c.1101A>T, p.Ser367= (NM_001195573.1, NM_001271282.3, NM_001291628.2 and 14 more transcripts); c.819A>T, p.Ser273= (NM_001395686.1); c.696A>T, p.Ser232= (NM_001395687.1, NM_001395688.1, NM_001395689.1 and 3 more transcripts); c.534A>T, p.Ser178= (NM_001395691.1); c.-468A>T (NM_001395697.1).
Identifiers: ClinVar variation 5042211 (VCV005042211.1).

ClinVar aggregate classification (germline): Benign (1 of 4 stars; one submission).

Conditions:
DICER1-related tumor predisposition. Also called: DICER1 syndrome; DICER1-related pleuropulmonary blastoma cancer predisposition syndrome. Identifiers: Orphanet 284343, MedGen C3839822, MONDO:0100216.

gnomAD v4.1: 3 of 1,614,180 alleles (0.00019%); highest among the groups gnomAD compares: Non-Finnish European, 0.00025%; no homozygotes.

Submission:

Myriad Genetics, Inc.
Classification: Benign for DICER1-related tumor predisposition. Last evaluated: 2026-08-18. Review status: criteria provided, single submitter. Criteria: Myriad Autosomal Dominant, Autosomal Recessive and X-Linked Classification Criteria (2023). Collection method: clinical testing. Allele origin: unknown.
Comment: This variant is considered benign. This variant is a silent/synonymous amino acid change and it is not expected to impact splicing.